The following is an entry in ClinVar:

ClinVar aggregate classification (germline): Uncertain significance. Review status: criteria provided, multiple submitters, no conflicts (2 of 4 stars). 3 submissions from 3 submitters: Uncertain significance (3). Last evaluated 2025-04-20.

Conditions:
Hereditary cancer-predisposing syndrome. Also called: Neoplastic Syndromes, Hereditary; Tumor predisposition; Hereditary neoplastic syndrome; Hereditary Cancer Syndrome. Identifiers: Orphanet 140162, MedGen C0027672, MeSH D009386, MONDO:0015356.
Rhabdoid tumor predisposition syndrome 2 (RTPS2). Identifiers: Orphanet 231108, Orphanet 69077, MedGen C2750074, MONDO:0013224, OMIM 613325.

Submissions (3):

Labcorp Genetics (formerly Invitae), Labcorp
Classification: Uncertain significance for Rhabdoid tumor predisposition syndrome 2. Last evaluated: 2025-04-20. Review status: criteria provided, single submitter. Criteria: Invitae Variant Classification Sherloc (09022015). Collection method: clinical testing. Allele origin: germline.
Comment: This sequence change replaces glycine, which is neutral and non-polar, with serine, which is neutral and polar, at codon 360 of the SMARCA4 protein (p.Gly360Ser). This variant is not present in population databases (gnomAD no frequency). This variant has not been reported in the literature in individuals affected with SMARCA4-related conditions. ClinVar contains an entry for this variant (Variation ID: 3240530). Invitae Evidence Modeling of protein sequence and biophysical properties (such as structural, functional, and spatial information, amino acid conservation, physicochemical variation, residue mobility, and thermodynamic stability) indicates that this missense variant is expected to disrupt SMARCA4 protein function with a positive predictive value of 95%. In summary, the available evidence is currently insufficient to determine the role of this variant in disease. Therefore, it has been classified as a Variant of Uncertain Significance.

Ambry Genetics
Classification: Uncertain significance for Hereditary cancer-predisposing syndrome. Last evaluated: 2025-03-24. Review status: criteria provided, single submitter. Criteria: Ambry Variant Classification Scheme 2023. Collection method: clinical testing. Allele origin: germline.
Comment: The p.G360S variant (also known as c.1078G>A), located in coding exon 5 of the SMARCA4 gene, results from a G to A substitution at nucleotide position 1078. The glycine at codon 360 is replaced by serine, an amino acid with similar properties. This amino acid position is conserved. In addition, this alteration is predicted to be deleterious by in silico analysis. Based on the available evidence, the clinical significance of this variant remains unclear.

Baylor Genetics
Classification: Uncertain significance for Rhabdoid tumor predisposition syndrome 2. Last evaluated: 2023-11-23. Review status: criteria provided, single submitter. Criteria: ACMG Guidelines, 2015. Collection method: clinical testing. Allele origin: unknown.

NM_003072.5(SMARCA4):c.1078G>A (p.Gly360Ser)

Gene: SMARCA4 (SWI/SNF related BAF chromatin remodeling complex subunit ATPase 4; plus strand). Cytogenetic location: 19p13.2.
Variant type: single nucleotide variant.
Coding change: c.1078G>A on transcript NM_003072.5 (MANE Select); coding-DNA position 1078, G replaced by A.
Protein change: p.Gly360Ser; replaces glycine 360 with serine.
Molecular consequence: missense variant. On other transcripts: non-coding transcript variant (1).
Genome position (GRCh38, 1-based): chr19:10,987,884, G>A. VCF-style: chr19-10987884-G-A. GRCh37 (hg19) VCF-style: chr19-11098560-G-A.
Other names: c.1078G>A, p.Gly360Ser (NM_001128844.3, NM_001128845.2, NM_001128846.2 and 6 more transcripts); c.1078G>A (NM_001128849.1); short protein forms G360S.
Identifiers: ClinVar variation 3240530 (VCV003240530.3), dbSNP rs1408759450.